The following is an entry in ClinVar:

NM_001165963.4(SCN1A):c.2947G>T (p.Val983Phe)

Gene: SCN1A (sodium voltage-gated channel alpha subunit 1; minus strand). Cytogenetic location: 2q24.3.
Variant type: single nucleotide variant.
Coding change: c.2947G>T on transcript NM_001165963.4 (MANE Select); coding-DNA position 2947, G replaced by T.
Protein change: p.Val983Phe; replaces valine 983 with phenylalanine.
Molecular consequence: missense variant. On other transcripts: non-coding transcript variant (1).
Genome position (GRCh38, 1-based): chr2:166,036,530, C>A on the plus strand (G>T on the coding strand, the complement: SCN1A is on the minus strand). VCF-style: chr2-166036530-C-A. GRCh37 (hg19) VCF-style: chr2-166893040-C-A.
Other names: c.2863G>T, p.Val955Phe (NM_001165964.3, NM_001353957.2, NM_001353958.2); c.2947G>T, p.Val983Phe (NM_001202435.3, NM_001353948.2); c.2914G>T, p.Val972Phe (NM_001353949.2, NM_001353950.2, NM_001353951.2 and 2 more transcripts); c.2911G>T, p.Val971Phe (NM_001353954.2, NM_001353955.2); c.2860G>T, p.Val954Phe (NM_001353960.2); c.505G>T, p.Val169Phe (NM_001353961.2); short protein forms V169F, V983F, V955F, V971F, V954F, V972F.
Identifiers: ClinVar variation 943121 (VCV000943121.10), dbSNP rs1553540503, ClinGen allele CA349060658.

ClinVar aggregate classification (germline): Likely pathogenic (1 of 4 stars; one submission).

Conditions:
Early-infantile DEE. Also called: Early infantile epileptic encephalopathy; Ohtahara syndrome; Early infantile epileptic encephalopathy with suppression bursts. Identifiers: Orphanet 1934, MedGen C0393706, MONDO:0800491.

Submission:

Labcorp Genetics (formerly Invitae), Labcorp
Classification: Likely pathogenic for Early-infantile DEE. Last evaluated: 2019-09-11. Review status: criteria provided, single submitter. Criteria: Invitae Variant Classification Sherloc (09022015). Collection method: clinical testing. Allele origin: germline.
Comment: Algorithms developed to predict the effect of missense changes on protein structure and function (SIFT, PolyPhen-2, Align-GVGD) all suggest that this variant is likely to be disruptive, but these predictions have not been confirmed by published functional studies and their clinical significance is uncertain. This variant has been observed in an individual affected with Dravet syndrome (PMID: 22140375). This variant is not present in population databases (ExAC no frequency). This sequence change replaces valine with phenylalanine at codon 983 of the SCN1A protein (p.Val983Phe). The valine residue is highly conserved and there is a small physicochemical difference between valine and phenylalanine. In summary, the currently available evidence indicates that the variant is pathogenic, but additional data are needed to prove that conclusively. Therefore, this variant has been classified as Likely Pathogenic. This variant disrupts the p.Val983 amino acid residue in SCN1A. Other variant(s) that disrupt this residue have been determined to be pathogenic (PMID: 18804930, 12566275, 16210358). This suggests that this residue is clinically significant, and that variants that disrupt this residue are likely to be disease-causing. Algorithms developed to predict the effect of sequence changes on RNA splicing suggest that this variant may disrupt the consensus splice site, but this prediction has not been confirmed by published transcriptional studies.

Literature cited by the submitters: PubMed 22140375; PubMed 18804930; PubMed 12566275; PubMed 16210358.